The following is an entry in ClinVar:

ClinVar aggregate classification (germline): Uncertain significance (1 of 4 stars; one submission).

gnomAD v4.1: 1 of 1,608,216 alleles (0.000062%); highest among the groups gnomAD compares: Admixed American, 0.0017%; no homozygotes.

Submission:

Labcorp Genetics (formerly Invitae), Labcorp
Classification: Uncertain significance. Last evaluated: 2025-12-22. Review status: criteria provided, single submitter. Criteria: Invitae Variant Classification Sherloc (09022015). Collection method: clinical testing. Allele origin: germline.
Comment: This sequence change replaces aspartic acid, which is acidic and polar, with alanine, which is neutral and non-polar, at codon 388 of the RASA2 protein (p.Asp388Ala). This variant is present in population databases (rs773659564, gnomAD 0.003%). This variant has not been reported in the literature in individuals affected with RASA2-related conditions. Invitae Evidence Modeling of protein sequence and biophysical properties (such as structural, functional, and spatial information, amino acid conservation, physicochemical variation, residue mobility, and thermodynamic stability) indicates that this missense variant is not expected to disrupt RASA2 protein function with a negative predictive value of 80%. In summary, the available evidence is currently insufficient to determine the role of this variant in disease. Therefore, it has been classified as a Variant of Uncertain Significance.

NM_006506.5(RASA2):c.1163A>C (p.Asp388Ala)

Gene: RASA2 (RAS p21 protein activator 2; plus strand). Cytogenetic location: 3q23.
Variant type: single nucleotide variant.
Coding change: c.1163A>C on transcript NM_006506.5 (MANE Select); coding-DNA position 1163, A replaced by C.
Protein change: p.Asp388Ala; replaces aspartic acid 388 with alanine.
Molecular consequence: missense variant.
Genome position (GRCh38, 1-based): chr3:141,571,548, A>C. VCF-style: chr3-141571548-A-C. GRCh37 (hg19) VCF-style: chr3-141290390-A-C.
Other names: c.1163A>C, p.Asp388Ala (NM_001303245.3, NM_001303246.3); short protein forms D388A.
Identifiers: ClinVar variation 4704288 (VCV004704288.1).